The following is an entry in ClinVar:

ClinVar aggregate classification (germline): Likely benign (1 of 4 stars; one submission).

Submission:

CeGaT Center for Human Genetics Tuebingen
Classification: Likely benign. Last evaluated: 2023-11-01. Review status: criteria provided, single submitter. Criteria: CeGaT Center For Human Genetics Tuebingen Variant Classification Criteria Version 2. Collection method: clinical testing. Allele origin: germline. Affected: yes. Observed: 1 variant allele.
Comment: PTPRT: PM2:Supporting, BP4, BP7

NM_007050.6(PTPRT):c.1122G>C (p.Gly374=)

Gene: PTPRT (protein tyrosine phosphatase receptor type T; minus strand). Cytogenetic location: 20q12.
Variant type: single nucleotide variant.
Coding change: c.1122G>C on transcript NM_007050.6 (MANE Select); coding-DNA position 1122, G replaced by C.
Protein change: p.Gly374=; no amino-acid change (glycine 374 retained).
Molecular consequence: synonymous variant.
Genome position (GRCh38, 1-based): chr20:42,677,897, C>G on the plus strand (G>C on the coding strand, the complement: PTPRT is on the minus strand). VCF-style: chr20-42677897-C-G. GRCh37 (hg19) VCF-style: chr20-41306537-C-G.
Other names: c.1122G>C, p.Gly374= (NM_001394024.1, NM_001394025.1, NM_001394026.1 and 1 more transcripts).
Identifiers: ClinVar variation 2652344 (VCV002652344.24), dbSNP rs2146064422, ClinGen allele CA510757965.
Genomic context (GRCh38, chr20:42,677,897, plus strand): 5'-ATGGAGCCTGGGAAAAAAAAAAATCTTACCTGCACACTTGGTCCTGGTGGTGAGGGGAGG[C>G]CCTGGCGGTCCCGTACCCCCCTCACCTGGTCGTGTGAGGAGCACTCGGATCTCATACTCA-3'
Protein context (NP_008981.4, residues 364-384): RPGEGGTGPP[Gly374=]PPLTTRTKCA